The following is an entry in ClinVar:

NM_001378778.1(MPDZ):c.1937T>C (p.Leu646Pro)

Gene: MPDZ (multiple PDZ domain crumbs cell polarity complex component; minus strand). Cytogenetic location: 9p23.
Variant type: single nucleotide variant.
Coding change: c.1937T>C on transcript NM_001378778.1 (MANE Select); coding-DNA position 1937, T replaced by C.
Protein change: p.Leu646Pro; replaces leucine 646 with proline.
Molecular consequence: missense variant.
Genome position (GRCh38, 1-based): chr9:13,192,162, A>G on the plus strand (T>C on the coding strand, the complement: MPDZ is on the minus strand). VCF-style: chr9-13192162-A-G. GRCh37 (hg19) VCF-style: chr9-13192161-A-G.
Other names: c.1937T>C, p.Leu646Pro (NM_001261406.2, NM_001261407.2, NM_001330637.2 and 14 more transcripts); short protein forms L646P.
Identifiers: ClinVar variation 1460784 (VCV001460784.5), dbSNP rs745378208, ClinGen allele CA4987631.

ClinVar aggregate classification (germline): Uncertain significance (1 of 4 stars; one submission).

Allele frequency attached by ClinVar (database versions not stated): TOPMed below 0.00001; gnomAD exomes 0.00001 and 0.00002; ExAC 0.00004.
gnomAD v4.1: 8 of 1,609,718 alleles (0.0005%); highest among the groups gnomAD compares: Admixed American, 0.0017%; no homozygotes.

Submission:

Labcorp Genetics (formerly Invitae), Labcorp
Classification: Uncertain significance. Last evaluated: 2024-12-03. Review status: criteria provided, single submitter. Criteria: Invitae Variant Classification Sherloc (09022015). Collection method: clinical testing. Allele origin: germline.
Comment: This sequence change replaces leucine, which is neutral and non-polar, with proline, which is neutral and non-polar, at codon 646 of the MPDZ protein (p.Leu646Pro). This variant is present in population databases (rs745378208, gnomAD 0.005%). This variant has not been reported in the literature in individuals affected with MPDZ-related conditions. ClinVar contains an entry for this variant (Variation ID: 1460784). An algorithm developed to predict the effect of missense changes on protein structure and function (PolyPhen-2) suggests that this variant is likely to be disruptive. In summary, the available evidence is currently insufficient to determine the role of this variant in disease. Therefore, it has been classified as a Variant of Uncertain Significance.